The following is an entry in ClinVar:

ClinVar aggregate classification (germline): Likely benign. Review status: criteria provided, multiple submitters, no conflicts (2 of 4 stars). 2 submissions from 2 submitters: Likely benign (2). Last evaluated 2025-02-28.

Conditions:
Mitochondrial complex II deficiency, nuclear type 1. Also called: SUCCINATE CoQ REDUCTASE DEFICIENCY. Identifiers: Orphanet 3208, MedGen C5700310, MONDO:0100294, OMIM 252011.
Pheochromocytoma/paraganglioma syndrome 5. Also called: Paragangliomas 5; SDHA-Related Hereditary Paraganglioma-Pheochromocytoma Syndrome. Identifiers: Orphanet 29072, MedGen C3279992, MONDO:0013602, OMIM 614165.

Submissions (2):

Myriad Genetics, Inc.
Classification: Likely benign for Pheochromocytoma/paraganglioma syndrome 5. Last evaluated: 2025-02-28. Review status: criteria provided, single submitter. Criteria: Myriad Autosomal Dominant, Autosomal Recessive and X-Linked Classification Criteria (2023). Collection method: clinical testing. Allele origin: unknown.
Comment: This variant is considered likely benign. This variant is intronic and is not expected to impact mRNA splicing.

Labcorp Genetics (formerly Invitae), Labcorp
Classification: Likely benign for Pheochromocytoma/paraganglioma syndrome 5; Mitochondrial complex II deficiency, nuclear type 1. Last evaluated: 2024-01-20. Review status: criteria provided, single submitter. Criteria: Invitae Variant Classification Sherloc (09022015). Collection method: clinical testing. Allele origin: germline.

NM_004168.4(SDHA):c.64-8G>T

Gene: SDHA (succinate dehydrogenase complex flavoprotein subunit A; plus strand). Cytogenetic location: 5p15.33.
Variant type: single nucleotide variant.
Coding change: c.64-8G>T on transcript NM_004168.4 (MANE Select); 8 bases into the intron before coding-DNA position 64, G replaced by T.
Molecular consequence: intron variant.
Genome position (GRCh38, 1-based): chr5:223,474, G>T. VCF-style: chr5-223474-G-T. GRCh37 (hg19) VCF-style: chr5-223589-G-T.
Other names: c.64-8G>T (NM_001330758.2, NM_001294332.2).
Identifiers: ClinVar variation 2940645 (VCV002940645.4), dbSNP rs2477279801, ClinGen allele CA2740091618.
Genomic context (GRCh38, chr5:223,474, plus strand): 5'-ACTATCCCCCACAGCATTTGTTCCTTCAGGACACTAACCCTCTGGATCTGTGTCTTCTGT[G>T]TCTCCAGTGGCCAACAGTGTTGCAAACAGGAACCCGAGGTTTTCACTTCACTGTTGATGG-3'